The following is an entry in ClinVar:

ClinVar aggregate classification (germline): Uncertain significance (1 of 4 stars; one submission).

Conditions:
Granulomatous disease, chronic, autosomal recessive, cytochrome b-positive, type 3. Also called: Granulomatous disease, chronic, autosomal recessive, cytochrome b-positive, type III; GRANULOMATOUS DISEASE, CHRONIC, DUE TO NCF4 DEFICIENCY; GRANULOMATOUS DISEASE, CHRONIC, AUTOSOMAL RECESSIVE, 3; CGD, AUTOSOMAL RECESSIVE CYTOCHROME b-POSITIVE, TYPE III. Identifiers: Orphanet 379, MedGen C3151409, MONDO:0013507, OMIM 613960.

Allele frequency attached by ClinVar (database versions not stated): ExAC 0.00001; gnomAD 0.00001.
gnomAD v4.1: 4 of 1,614,086 alleles (0.00025%); highest among the groups gnomAD compares: African/African-American, 0.0053%; no homozygotes.

Submission:

Labcorp Genetics (formerly Invitae), Labcorp
Classification: Uncertain significance for Granulomatous disease, chronic, autosomal recessive, cytochrome b-positive, type 3. Last evaluated: 2024-11-05. Review status: criteria provided, single submitter. Criteria: Invitae Variant Classification Sherloc (09022015). Collection method: clinical testing. Allele origin: germline.
Comment: This sequence change replaces histidine, which is basic and polar, with tyrosine, which is neutral and polar, at codon 295 of the NCF4 protein (p.His295Tyr). This variant is present in population databases (rs772986521, gnomAD 0.007%). This variant has not been reported in the literature in individuals affected with NCF4-related conditions. ClinVar contains an entry for this variant (Variation ID: 2057423). An algorithm developed to predict the effect of missense changes on protein structure and function (PolyPhen-2) suggests that this variant¬†is likely to be tolerated. In summary, the available evidence is currently insufficient to determine the role of this variant in disease. Therefore, it has been classified as a Variant of Uncertain Significance.

NM_000631.5(NCF4):c.759-121C>T

Gene: NCF4 (neutrophil cytosolic factor 4; plus strand). Cytogenetic location: 22q12.3.
Variant type: single nucleotide variant.
Coding change: c.759-121C>T on transcript NM_000631.5 (MANE Select); 121 bases into the intron before coding-DNA position 759, C replaced by T.
Molecular consequence: intron variant. On other transcripts: missense variant (1).
Genome position (GRCh38, 1-based): chr22:36,875,908, C>T. VCF-style: chr22-36875908-C-T. GRCh37 (hg19) VCF-style: chr22-37271950-C-T.
Other names: c.883C>T, p.His295Tyr (NM_013416.4); short protein forms H295Y.
Identifiers: ClinVar variation 2057423 (VCV002057423.3), dbSNP rs772986521, ClinGen allele CA10213183.